The following is an entry in ClinVar:

ClinVar aggregate classification (germline): Conflicting classifications of pathogenicity. Review status: criteria provided, conflicting classifications (1 of 4 stars). 3 submissions from 3 submitters: Uncertain significance (1); Benign (1). 1 of the submissions does not count toward it. Last evaluated 2025-11-12.

Conditions:
Pachyonychia congenita 1 (PC1). Also called: PACHYONYCHIA CONGENITA, LATE ONSET; KRT16-Related Pachyonychia Congenita; KRT6A-Related Pachyonychia Congenita; Jadassohn Lewandowsky syndrome. Identifiers: Orphanet 2309, MedGen C1706595, MONDO:0008173, OMIM 167200.
KRT16-related disorder. Also called: KRT16-related condition.

Allele frequency attached by ClinVar (database versions not stated): 1000 Genomes Project 0.00120; 1000 Genomes Project 30x 0.00141; gnomAD 0.00299; gnomAD exomes 0.00329; ExAC 0.00339; TOPMed 0.00358; ESP Exome Variant Server 0.00431.
gnomAD v4.1: 7,083 of 1,614,060 alleles (0.44%); highest among the groups gnomAD compares: Non-Finnish European, 0.54%; 23 homozygotes.

Submissions (4):

Labcorp Genetics (formerly Invitae), Labcorp
Classification: Benign. Last evaluated: 2025-11-12. Review status: criteria provided, single submitter. Criteria: Invitae Variant Classification Sherloc (09022015). Collection method: clinical testing. Allele origin: germline.

Baylor Genetics
Classification: Uncertain significance for Pachyonychia congenita 1. Last evaluated: 2018-01-25. Review status: criteria provided, single submitter. Criteria: ACMG Guidelines, 2015. Collection method: clinical testing. Allele origin: paternal. Affected: yes.
Comment: This variant was determined to be of uncertain significance according to ACMG Guidelines, 2015 [PMID:25741868].

PreventionGenetics, part of Exact Sciences
Classification: Benign for KRT16-related condition. Last evaluated: 2019-12-03. Review status: no assertion criteria provided. Collection method: clinical testing. Allele origin: germline. Not counted in ClinVar's aggregate classification.
Comment: This variant is classified as benign based on ACMG/AMP sequence variant interpretation guidelines (Richards et al. 2015 PMID: 25741868, with internal and published modifications).

Dr. Peter K. Rogan Lab, Western University
No classification provided (evidence only). Condition: Malignant tumor of urinary bladder. Review status: no classification provided. Collection method: in vitro. Allele origin: not applicable. Functional consequence: retained intron. Not counted in ClinVar's aggregate classification.

NM_005557.4(KRT16):c.644C>G (p.Thr215Ser)

Gene: KRT16 (keratin 16; minus strand). Cytogenetic location: 17q21.2.
Variant type: single nucleotide variant.
Coding change: c.644C>G on transcript NM_005557.4 (MANE Select); coding-DNA position 644, C replaced by G.
Protein change: p.Thr215Ser; replaces threonine 215 with serine.
Molecular consequence: missense variant.
Genome position (GRCh38, 1-based): chr17:41,611,472, G>C on the plus strand (C>G on the coding strand, the complement: KRT16 is on the minus strand). VCF-style: chr17-41611472-G-C. GRCh37 (hg19) VCF-style: chr17-39767724-G-C.
Other names: short protein forms T215S.
Identifiers: ClinVar variation 791432 (VCV000791432.14), dbSNP rs147423442, ClinGen allele CA8563170.